The following is an entry in ClinVar:

ClinVar aggregate classification (germline): Pathogenic (1 of 4 stars; one submission).

Submission:

Labcorp Genetics (formerly Invitae), Labcorp
Classification: Pathogenic. Last evaluated: 2023-09-30. Review status: criteria provided, single submitter. Criteria: Invitae Variant Classification Sherloc (09022015). Collection method: clinical testing. Allele origin: germline.
Comment: This sequence change creates a premature translational stop signal (p.Trp1327*) in the TTC37 gene. It is expected to result in an absent or disrupted protein product. Loss-of-function variants in TTC37 are known to be pathogenic (PMID: 20176027, 21120949). This variant is not present in population databases (gnomAD no frequency). This variant has not been reported in the literature in individuals affected with TTC37-related conditions. For these reasons, this variant has been classified as Pathogenic.

Literature cited by the submitters: PubMed 20176027; PubMed 21120949.

NM_014639.4(SKIC3):c.3980G>A (p.Trp1327Ter)

Gene: SKIC3 (SKI3 subunit of superkiller complex; minus strand). Cytogenetic location: 5q15.
Variant type: single nucleotide variant.
Coding change: c.3980G>A on transcript NM_014639.4 (MANE Select); coding-DNA position 3980, G replaced by A.
Protein change: p.Trp1327Ter; replaces tryptophan 1327 with a stop codon.
Molecular consequence: nonsense.
Genome position (GRCh38, 1-based): chr5:95,484,797, C>T on the plus strand (G>A on the coding strand, the complement: SKIC3 is on the minus strand). VCF-style: chr5-95484797-C-T. GRCh37 (hg19) VCF-style: chr5-94820501-C-T.
Other names: short protein forms W1327*.
Identifiers: ClinVar variation 2799250 (VCV002799250.3), dbSNP rs2530694702, ClinGen allele CA360445567.